The following is an entry in ClinVar:

NM_177924.5(ASAH1):c.458-1G>A

Gene: ASAH1 (N-acylsphingosine amidohydrolase 1; minus strand). Cytogenetic location: 8p22.
Variant type: single nucleotide variant.
Coding change: c.458-1G>A on transcript NM_177924.5 (MANE Select); the canonical splice acceptor site of the intron before coding-DNA position 458, G replaced by A.
Molecular consequence: splice acceptor variant.
Genome position (GRCh38, 1-based): chr8:18,063,231, C>T on the plus strand (G>A on the coding strand, the complement: ASAH1 is on the minus strand). VCF-style: chr8-18063231-C-T. GRCh37 (hg19) VCF-style: chr8-17920740-C-T.
Other names: c.506-1G>A (NM_004315.6); c.440-1G>A (NM_001127505.3); c.263-1G>A (NM_001363743.2).
Identifiers: ClinVar variation 2033850 (VCV002033850.4), dbSNP rs750751739, ClinGen allele CA4650815.

ClinVar aggregate classification (germline): Likely pathogenic (1 of 4 stars; one submission).

Allele frequency attached by ClinVar (database versions not stated): ExAC 0.00001.
gnomAD v4.1: 4 of 1,613,242 alleles (0.00025%); highest among the groups gnomAD compares: Non-Finnish European, 0.00034%; no homozygotes.

Submission:

Labcorp Genetics (formerly Invitae), Labcorp
Classification: Likely pathogenic. Last evaluated: 2022-10-03. Review status: criteria provided, single submitter. Criteria: Invitae Variant Classification Sherloc (09022015). Collection method: clinical testing. Allele origin: germline.
Comment: This variant has not been reported in the literature in individuals affected with ASAH1-related conditions. In summary, the currently available evidence indicates that the variant is pathogenic, but additional data are needed to prove that conclusively. Therefore, this variant has been classified as Likely Pathogenic. Algorithms developed to predict the effect of sequence changes on RNA splicing suggest that this variant may disrupt the consensus splice site. The frequency data for this variant in the population databases is considered unreliable, as metrics indicate poor data quality at this position in the gnomAD database. This sequence change affects an acceptor splice site in intron 6 of the ASAH1 gene. It is expected to disrupt RNA splicing. Variants that disrupt the donor or acceptor splice site typically lead to a loss of protein function (PMID: 16199547), and loss-of-function variants in ASAH1 are known to be pathogenic (PMID: 24164096, 24355074).

Literature cited by the submitters: PubMed 16199547; PubMed 24164096; PubMed 24355074.